The following is an entry in ClinVar:

NM_001080512.3(BICC1):c.1425G>C (p.Leu475Phe)

Gene: BICC1 (BicC family RNA binding protein 1; plus strand). Cytogenetic location: 10q21.1.
Variant type: single nucleotide variant.
Coding change: c.1425G>C on transcript NM_001080512.3 (MANE Select); coding-DNA position 1425, G replaced by C.
Protein change: p.Leu475Phe; replaces leucine 475 with phenylalanine.
Molecular consequence: missense variant.
Genome position (GRCh38, 1-based): chr10:58,798,457, G>C. VCF-style: chr10-58798457-G-C. GRCh37 (hg19) VCF-style: chr10-60558217-G-C.
Other names: short protein forms L475F.
Identifiers: ClinVar variation 2175444 (VCV002175444.4), dbSNP rs973554739, ClinGen allele CA207279752.
Genomic context (GRCh38, chr10:58,798,457, plus strand): 5'-AGGTCTTTTGGGACCCACCACCTTATCTCTGAACACTTCAACAACCCCAAACTCACTCTT[G>C]AATGCTCTTAATAGCTCAGTCAGTCCTTTGCAAAGTCCAAGTTCTGGTACACCCAGCCCC-3'
Protein context (NP_001073981.1, residues 465-485): LNTSTTPNSL[Leu475Phe]NALNSSVSPL

ClinVar aggregate classification (germline): Uncertain significance (1 of 4 stars; one submission).

gnomAD v4.1: 12 of 1,613,056 alleles (0.00074%); highest among the groups gnomAD compares: Middle Eastern, 0.033%; no homozygotes.

Submission:

Labcorp Genetics (formerly Invitae), Labcorp
Classification: Uncertain significance. Last evaluated: 2022-11-08. Review status: criteria provided, single submitter. Criteria: Invitae Variant Classification Sherloc (09022015). Collection method: clinical testing. Allele origin: germline.
Comment: In summary, the available evidence is currently insufficient to determine the role of this variant in disease. Therefore, it has been classified as a Variant of Uncertain Significance. Algorithms developed to predict the effect of missense changes on protein structure and function are either unavailable or do not agree on the potential impact of this missense change (SIFT: "Deleterious"; PolyPhen-2: "Benign"; Align-GVGD: "Class C0"). This variant has not been reported in the literature in individuals affected with BICC1-related conditions. This variant is not present in population databases (gnomAD no frequency). This sequence change replaces leucine, which is neutral and non-polar, with phenylalanine, which is neutral and non-polar, at codon 475 of the BICC1 protein (p.Leu475Phe).